The following is an entry in ClinVar:

ClinVar aggregate classification (germline): Uncertain significance (1 of 4 stars; one submission).

Conditions:
Beta-D-mannosidosis (MANSB). Also called: Beta-Mannosidosis; MANNOSIDOSIS, BETA A, LYSOSOMAL; BETA-MANNOSIDASE DEFICIENCY; LYSOSOMAL BETA-MANNOSIDASE DEFICIENCY. Identifiers: Orphanet 118, MedGen C4048196, MONDO:0009562, OMIM 248510.

Allele frequency attached by ClinVar (database versions not stated): gnomAD exomes below 0.00001.

Submission:

Labcorp Genetics (formerly Invitae), Labcorp
Classification: Uncertain significance for Beta-D-mannosidosis. Last evaluated: 2025-07-14. Review status: criteria provided, single submitter. Criteria: Invitae Variant Classification Sherloc (09022015). Collection method: clinical testing. Allele origin: germline.
Comment: This sequence change replaces serine, which is neutral and polar, with cysteine, which is neutral and slightly polar, at codon 726 of the MANBA protein (p.Ser726Cys). This variant is not present in population databases (gnomAD no frequency). This variant has not been reported in the literature in individuals affected with MANBA-related conditions. ClinVar contains an entry for this variant (Variation ID: 2820808). Invitae Evidence Modeling of protein sequence and biophysical properties (such as structural, functional, and spatial information, amino acid conservation, physicochemical variation, residue mobility, and thermodynamic stability) has been performed for this missense variant. However, the output from this modeling did not meet the statistical confidence thresholds required to predict the impact of this variant on MANBA protein function. In summary, the available evidence is currently insufficient to determine the role of this variant in disease. Therefore, it has been classified as a Variant of Uncertain Significance.

NM_005908.4(MANBA):c.2176A>T (p.Ser726Cys)

Gene: MANBA (mannosidase beta; minus strand). Cytogenetic location: 4q24.
Variant type: single nucleotide variant.
Coding change: c.2176A>T on transcript NM_005908.4 (MANE Select); coding-DNA position 2176, A replaced by T.
Protein change: p.Ser726Cys; replaces serine 726 with cysteine.
Molecular consequence: missense variant.
Genome position (GRCh38, 1-based): chr4:102,635,027, T>A on the plus strand (A>T on the coding strand, the complement: MANBA is on the minus strand). VCF-style: chr4-102635027-T-A. GRCh37 (hg19) VCF-style: chr4-103556184-T-A.
Other names: short protein forms S726C.
Identifiers: ClinVar variation 2820808 (VCV002820808.3), dbSNP rs1729559959, ClinGen allele CA357757047.